The following is an entry in ClinVar:

ClinVar aggregate classification (germline): Uncertain significance (1 of 4 stars; one submission).

Conditions:
Developmental and epileptic encephalopathy, 9 (DEE9). Also called: Early infantile epileptic encephalopathy 9; JUBERG-HELLMAN SYNDROME; PCDH19-Related X-Linked Female-Limited Epilepsy with Mental Retardation; EPILEPSY, FEMALE-RESTRICTED, WITH MENTAL RETARDATION. Identifiers: Orphanet 101039, Orphanet 2076, MedGen C1848137, MONDO:0010246, OMIM 300088. Disease mechanism: loss of function.

gnomAD v4.1: 1 of 1,209,481 alleles (0.000083%); highest among the groups gnomAD compares: Admixed American, 0.0022%; no homozygotes.

Submission:

Labcorp Genetics (formerly Invitae), Labcorp
Classification: Uncertain significance for Developmental and epileptic encephalopathy, 9. Last evaluated: 2025-08-21. Review status: criteria provided, single submitter. Criteria: Invitae Variant Classification Sherloc (09022015). Collection method: clinical testing. Allele origin: germline.
Comment: This sequence change replaces valine, which is neutral and non-polar, with alanine, which is neutral and non-polar, at codon 72 of the PCDH19 protein (p.Val72Ala). This variant is present in population databases (rs776058393, gnomAD 0.004%). This variant has not been reported in the literature in individuals affected with PCDH19-related conditions. Invitae Evidence Modeling of protein sequence and biophysical properties (such as structural, functional, and spatial information, amino acid conservation, physicochemical variation, residue mobility, and thermodynamic stability) has been performed for this missense variant. However, the output from this modeling did not meet the statistical confidence thresholds required to predict the impact of this variant on PCDH19 protein function. In summary, the available evidence is currently insufficient to determine the role of this variant in disease. Therefore, it has been classified as a Variant of Uncertain Significance.

NM_001184880.2(PCDH19):c.215T>C (p.Val72Ala)

Gene: PCDH19 (protocadherin 19; minus strand). Cytogenetic location: Xq22.1.
Variant type: single nucleotide variant.
Coding change: c.215T>C on transcript NM_001184880.2 (MANE Select); coding-DNA position 215, T replaced by C.
Protein change: p.Val72Ala; replaces valine 72 with alanine.
Molecular consequence: missense variant.
Genome position (GRCh38, 1-based): chrX:100,408,383, A>G on the plus strand (T>C on the coding strand, the complement: PCDH19 is on the minus strand). VCF-style: chrX-100408383-A-G. GRCh37 (hg19) VCF-style: chrX-99663381-A-G.
Other names: c.215T>C, p.Val72Ala (NM_001105243.2, NM_020766.3); short protein forms V72A.
Identifiers: ClinVar variation 4807924 (VCV004807924.1).
Genomic context (GRCh38, chrX:100,408,383, plus strand): 5'-AGCAGATCACGGTCAATCTTCTGCTTGGTGACCAGCAGGCCAGAGCTGGGATTGATGTCC[A>G]CTAGGTGTGGAGCCGAGTTGGACACCACGCGAAAGGCTGAAGCCTGCCGGGGGTCCAGCG-3'
Protein context (NP_001171809.1, residues 62-82): RVVSNSAPHL[Val72Ala]DINPSSGLLV